The following is an entry in ClinVar:

ClinVar aggregate classification (germline): Likely pathogenic. Review status: criteria provided, single submitter (1 of 4 stars). 2 submissions from 2 submitters: Likely pathogenic (1). 1 of the submissions does not count toward it. Last evaluated 2025-02-26.

Conditions:
CFTR-related disorder (CFTR-RD). Also called: CFTR-related disorders; CFTR-related condition. Identifiers: MedGen C5924204, MONDO:7770004.
Cystic fibrosis (CF). Also called: MUCOVISCIDOSIS. Identifiers: Orphanet 586, MedGen C0010674, MONDO:0009061, OMIM 219700. Disease mechanism: loss of function.

Submissions (2):

Natera, Inc.
Classification: Likely pathogenic for CFTR-related disorders. Last evaluated: 2025-02-26. Review status: criteria provided, single submitter. Criteria: Natera Variant Classification Schema (03/2026). Collection method: clinical testing. Allele origin: germline.
Comment: The c.597T>G variant in CFTR is a missense variant predicted to cause substitution of histidine to glutamine at amino acid 199. This variant is rare in the general population with a frequency below the threshold expected for the associated phenotype(s). Functional studies show that this variant may disrupt protein function (PMID: 38388235). A different variant at the same position has been determined to be Pathogenic or Likely Pathogenic. Computational prediction algorithms indicate this variant is likely to affect gene or protein function. Given the available evidence, this variant is classified as Likely Pathogenic.

ClinVar Staff, National Center for Biotechnology Information (NCBI)
No classification provided. Condition: CFTR-related disorders. Review status: no classification provided. Collection method: literature only. Allele origin: germline. Affected: yes. Not counted in ClinVar's aggregate classification.

Literature cited by the submitters: PubMed 38388235 (cited by Natera, Inc.); PubMed 1284534 (cited by ClinVar Staff, National Center for Biotechnology Information (NCBI)).

NM_000492.4(CFTR):c.597T>G (p.His199Gln)

Gene: CFTR (CF transmembrane conductance regulator; plus strand). Cytogenetic location: 7q31.2.
Variant type: single nucleotide variant.
Coding change: c.597T>G on transcript NM_000492.4 (MANE Select); coding-DNA position 597, T replaced by G.
Protein change: p.His199Gln; replaces histidine 199 with glutamine.
Molecular consequence: missense variant.
Genome position (GRCh38, 1-based): chr7:117,535,265, T>G. VCF-style: chr7-117535265-T-G. GRCh37 (hg19) VCF-style: chr7-117175319-T-G.
Other names: short protein forms H199Q.
Identifiers: ClinVar variation 54020 (VCV000054020.3), dbSNP rs397508765, ClinGen allele CA327591.